The following is an entry in ClinVar:

ClinVar aggregate classification (germline): Pathogenic. Review status: reviewed by expert panel (3 of 4 stars). 13 submissions from 13 submitters: Pathogenic (1). 12 of the submissions do not count toward it. Last evaluated 2016-09-08.

Conditions:
Hereditary cancer-predisposing syndrome. Also called: Hereditary Cancer Syndrome; Hereditary neoplastic syndrome; Tumor predisposition; Neoplastic Syndromes, Hereditary. Identifiers: Orphanet 140162, MedGen C0027672, MeSH D009386, MONDO:0015356.
Hereditary breast ovarian cancer syndrome. Also called: Breast and ovarian cancer; Hereditary breast and ovarian cancer syndrome; BRCA1- and BRCA2-Associated Hereditary Breast and Ovarian Cancer; Hereditary breast and ovarian cancer syndrome (HBOC); Hereditary breast and ovarian cancer; Hereditary breast and/or ovarian cancer syndrome. Identifiers: Orphanet 145, MedGen C0677776, MeSH D061325, MONDO:0003582. Disease mechanism: loss of function.
Breast-ovarian cancer, familial, susceptibility to, 2 (BROVCA2). Also called: BRCA2 Hereditary Breast and Ovarian Cancer. Identifiers: Orphanet 145, MedGen C2675520, MONDO:0012933, OMIM 612555. Disease mechanism: loss of function.
Familial cancer of breast. Also called: hereditary breast carcinoma; BREAST CANCER, FAMILIAL; Hereditary breast cancer. Identifiers: Orphanet 227535, MedGen C0346153, MONDO:0016419, OMIM 114480. Disease mechanism: loss of function.

Allele frequency attached by ClinVar (database versions not stated): gnomAD 0.00001.

Submissions (13):

Evidence-based Network for the Interpretation of Germline Mutant Alleles (ENIGMA)
Classification: Pathogenic for Breast-ovarian cancer, familial, susceptibility to, 2. Last evaluated: 2016-09-08. Review status: reviewed by expert panel. Criteria: ENIGMA BRCA1/2 Classification Criteria (2015). Collection method: curation. Allele origin: germline.
Comment: Variant allele predicted to encode a truncated non-functional protein.

Women's Health and Genetics/Laboratory Corporation of America, LabCorp
Classification: Pathogenic for Hereditary breast ovarian cancer syndrome. Last evaluated: 2026-05-20. Review status: criteria provided, single submitter. Criteria: LabCorp Variant Classification Summary - May 2015. Collection method: clinical testing. Allele origin: germline. Not counted in ClinVar's aggregate classification.
Comment: Variant summary: BRCA2 c.1800T>A (p.Tyr600X) results in a premature termination codon, predicted to cause a truncation of the encoded protein or absence of the protein due to nonsense mediated decay, which are commonly known mechanisms for disease. The variant was absent in 241802 control chromosomes (gnomAD). c.1800T>A has been observed in individuals affected with Hereditary Breast And Ovarian Cancer Syndrome (e.g. Pal_2013, Tea_2014, Lynce_2015). These data indicate that the variant is likely to be associated with disease. The following publications have been ascertained in the context of this evaluation (PMID: 24156927, 23320992, 26250392). ClinVar contains an entry for this variant (Variation ID: 37759). Based on the evidence outlined above, the variant was classified as pathogenic.

Labcorp Genetics (formerly Invitae), Labcorp
Classification: Pathogenic for Hereditary breast ovarian cancer syndrome. Last evaluated: 2025-07-31. Review status: criteria provided, single submitter. Criteria: Invitae Variant Classification Sherloc (09022015). Collection method: clinical testing. Allele origin: germline. Not counted in ClinVar's aggregate classification.
Comment: This sequence change creates a premature translational stop signal (p.Tyr600*) in the BRCA2 gene. It is expected to result in an absent or disrupted protein product. Loss-of-function variants in BRCA2 are known to be pathogenic (PMID: 20104584). This variant is not present in population databases (gnomAD no frequency). This premature translational stop signal has been observed in individual(s) with breast and/or ovarian cancer (PMID: 23320992, 24156927, 26250392). This variant is also known as T2028A or 2028T>A. ClinVar contains an entry for this variant (Variation ID: 37759). For these reasons, this variant has been classified as Pathogenic.

Ambry Genetics
Classification: Pathogenic for Hereditary cancer-predisposing syndrome. Last evaluated: 2024-10-25. Review status: criteria provided, single submitter. Criteria: Ambry Variant Classification Scheme 2023. Collection method: clinical testing. Allele origin: germline. Not counted in ClinVar's aggregate classification.
Comment: The p.Y600* pathogenic mutation (also known as c.1800T>A), located in coding exon 9 of the BRCA2 gene, results from a T to A substitution at nucleotide position 1800. This changes the amino acid from a tyrosine to a stop codon within coding exon 9. This alteration has been reported in individuals diagnosed with breast cancer and prostate cancer (Pal T et al. Breast J. 2013 Mar-Apr;19:189-92; Tea MK et al. Maturitas. 2014 Jan;77:68-72; Lynce F et al. Breast Cancer Res. Treat. 2015 Aug;153:201-9; Matejcic M et al. JCO Precis Oncol, 2020 Jan;4:32-43). This alteration was also identified in a large, worldwide study of BRCA1/2 mutation positive families (Rebbeck TR et al. Hum Mutat, 2018 05;39:593-620). This variant is considered to be rare based on population cohorts in the Genome Aggregation Database (gnomAD). Of note, this alteration is also designated as Y600X and 2028T>A in published literature. In addition to the clinical data presented in the literature, this alteration is expected to result in loss of function by premature protein truncation or nonsense-mediated mRNA decay. As such, this alteration is interpreted as a disease-causing mutation.

GeneDx
Classification: Pathogenic. Last evaluated: 2024-04-26. Review status: criteria provided, single submitter. Criteria: GeneDx Variant Classification Process June 2021. Collection method: clinical testing. Allele origin: germline. Affected: yes. Not counted in ClinVar's aggregate classification.
Comment: Nonsense variant predicted to result in protein truncation or nonsense mediated decay in a gene for which loss of function is a known mechanism of disease; Observed in individuals with a personal or family history consistent with pathogenic variants in this gene (PMID: 23320992, 24156927, 26250392); Not observed at significant frequency in large population cohorts (gnomAD); Truncating variants in this gene are considered pathogenic by a well-established clinical consortium and/or database; Also known as 2028T>A; This variant is associated with the following publications: (PMID: 24156927, 26250392, 23320992, 29446198, 31411802, 31447099, 32832836, 33206196)

Baylor Genetics
Classification: Pathogenic for Familial cancer of breast. Last evaluated: 2023-08-02. Review status: criteria provided, single submitter. Criteria: ACMG Guidelines, 2015. Collection method: clinical testing. Allele origin: unknown. Not counted in ClinVar's aggregate classification.

Color Diagnostics, LLC DBA Color Health
Classification: Pathogenic for Hereditary cancer-predisposing syndrome. Last evaluated: 2020-01-15. Review status: criteria provided, single submitter. Criteria: ACMG Guidelines, 2015. Collection method: clinical testing. Allele origin: germline. Not counted in ClinVar's aggregate classification.
Comment: This variant changes 1 nucleotide in exon 10 of the BRCA2 gene, creating a premature translation stop signal. This variant is expected to result in an absent or non-functional protein product. This variant has not been identified in the general population by the Genome Aggregation Database (gnomAD). Loss of BRCA2 function is a known mechanism of disease. Based on the available evidence, this variant is classified as Pathogenic.

Human Genome Sequencing Center Clinical Lab, Baylor College of Medicine
Classification: Pathogenic for Breast-ovarian cancer, familial, susceptibility to, 2. Last evaluated: 2017-05-24. Review status: criteria provided, single submitter. Criteria: ACMG Guidelines, 2015. Collection method: clinical testing. Allele origin: germline. Not counted in ClinVar's aggregate classification.
Comment: This c.1800T>A (p.Tyr600*) variant in the BRCA2 gene has been reported in patients with breast cancer [PMID 26250392, 23320992]. This variant is predicted to create a non sense variant and a premature stop codon at amino acid position 600 of the BRCA2 protein. This variant is thus predicted to result in a loss of function of the protein. In addition, it has been classified as pathogenic in ClinVar by an expert panel. This variant is classified as pathogenic.

Quest Diagnostics Nichols Institute San Juan Capistrano
Classification: Pathogenic. Last evaluated: 2016-11-28. Review status: criteria provided, single submitter. Criteria: Quest Diagnostics criteria. Collection method: clinical testing. Allele origin: germline. Not counted in ClinVar's aggregate classification.

Consortium of Investigators of Modifiers of BRCA1/2 (CIMBA), c/o University of Cambridge
Classification: Pathogenic for Breast-ovarian cancer, familial, susceptibility to, 2. Last evaluated: 2015-10-02. Review status: criteria provided, single submitter. Criteria: CIMBA Mutation Classification guidelines May 2016. Collection method: clinical testing. Allele origin: germline. Not counted in ClinVar's aggregate classification.

Research Molecular Genetics Laboratory, Women's College Hospital, University of Toronto
Classification: Pathogenic for Hereditary breast ovarian cancer syndrome. Last evaluated: 2014-01-31. Review status: no assertion criteria provided. Collection method: research. Allele origin: germline. Affected: yes. Study: The Canadian Open Genetics Repository (COGR). Not counted in ClinVar's aggregate classification.

Sharing Clinical Reports Project (SCRP)
Classification: Pathogenic for Breast-ovarian cancer, familial 2. Last evaluated: 2012-05-31. Review status: no assertion criteria provided. Collection method: clinical testing. Allele origin: germline. Not counted in ClinVar's aggregate classification.

Breast Cancer Information Core (BIC) (BRCA2)
Classification: Pathogenic for Breast-ovarian cancer, familial 2. Last evaluated: 2002-05-29. Review status: no assertion criteria provided. Collection method: clinical testing. Allele origin: germline. Affected: yes. Observed: 1 variant allele. Not counted in ClinVar's aggregate classification.

Literature cited by the submitters: PubMed 24156927 (cited by 4 submitters); PubMed 23320992 (cited by 4 submitters); PubMed 26250392 (cited by 4 submitters); PubMed 20104584 (cited by Labcorp Genetics (formerly Invitae), Labcorp); PubMed 29446198 (cited by Ambry Genetics); PubMed 32832836 (cited by Ambry Genetics).

NM_000059.4(BRCA2):c.1800T>A (p.Tyr600Ter)

Gene: BRCA2 (BRCA2 DNA repair associated; plus strand). Cytogenetic location: 13q13.1.
Variant type: single nucleotide variant.
Coding change: c.1800T>A on transcript NM_000059.4 (MANE Select); coding-DNA position 1800, T replaced by A.
Protein change: p.Tyr600Ter; replaces tyrosine 600 with a stop codon.
Molecular consequence: nonsense.
Genome position (GRCh38, 1-based): chr13:32,333,278, T>A. VCF-style: chr13-32333278-T-A. GRCh37 (hg19) VCF-style: chr13-32907415-T-A.
Other names: 2028T>A; short protein forms Y600*.
Identifiers: ClinVar variation 37759 (VCV000037759.30), dbSNP rs80358464, ClinGen allele CA013314.